The following is an entry in ClinVar:

ClinVar aggregate classification (germline): Uncertain significance (0 of 4 stars; one submission).

Conditions:
ABCB4-related disorder. Also called: ABCB4-related disorders; ABCB4-related condition.

Submission:

PreventionGenetics, part of Exact Sciences
Classification: Uncertain significance for ABCB4-related condition. Last evaluated: 2024-05-21. Review status: no assertion criteria provided. Collection method: clinical testing. Allele origin: germline.
Comment: The ABCB4 c.377G>T variant is predicted to result in the amino acid substitution p.Gly126Val. To our knowledge, this variant has not been reported in the literature or in a large population database, indicating this variant is rare. At this time, the clinical significance of this variant is uncertain due to the absence of conclusive functional and genetic evidence.

NM_000443.4(ABCB4):c.377G>T (p.Gly126Val)

Gene: ABCB4 (ATP binding cassette subfamily B member 4; minus strand). Cytogenetic location: 7q21.12.
Variant type: single nucleotide variant.
Coding change: c.377G>T on transcript NM_000443.4 (MANE Select); coding-DNA position 377, G replaced by T.
Protein change: p.Gly126Val; replaces glycine 126 with valine.
Molecular consequence: missense variant.
Genome position (GRCh38, 1-based): chr7:87,453,103, C>A on the plus strand (G>T on the coding strand, the complement: ABCB4 is on the minus strand). VCF-style: chr7-87453103-C-A. GRCh37 (hg19) VCF-style: chr7-87082419-C-A.
Other names: c.377G>T, p.Gly126Val (NM_018849.3, NM_018850.3); short protein forms G126V.
Identifiers: ClinVar variation 3353760 (VCV003353760.1).